The following is an entry in ClinVar:

ClinVar aggregate classification (germline): Likely benign (1 of 4 stars; one submission).

gnomAD v4.1: 1,616 of 1,095,930 alleles (0.15%); highest among the groups gnomAD compares: African/African-American, 0.97%; 3 homozygotes.

Submission:

CeGaT Center for Human Genetics Tuebingen
Classification: Likely benign. Last evaluated: 2026-09-01. Review status: criteria provided, single submitter. Criteria: CeGaT Center For Human Genetics Tuebingen Variant Classification Criteria Version 2. Collection method: clinical testing. Allele origin: germline. Affected: yes. Observed: 1 variant allele.
Comment: DMKN: BP4, BP7

NM_033317.5(DMKN):c.861T>C (p.Gly287=)

Gene: DMKN (dermokine; minus strand). Cytogenetic location: 19q13.12.
Variant type: single nucleotide variant.
Coding change: c.861T>C on transcript NM_033317.5 (MANE Select); coding-DNA position 861, T replaced by C.
Protein change: p.Gly287=; no amino-acid change (glycine 287 retained).
Molecular consequence: synonymous variant. On other transcripts: intron variant (2).
Genome position (GRCh38, 1-based): chr19:35,511,468, A>G on the plus strand (T>C on the coding strand, the complement: DMKN is on the minus strand). VCF-style: chr19-35511468-A-G. GRCh37 (hg19) VCF-style: chr19-36002370-A-G.
Other names: c.861T>C, p.Gly287= (NM_001126057.3, NM_001126058.3, NM_001190348.2 and 1 more transcripts); c.735+295T>C (NM_001190347.2, NM_001126056.3).
Identifiers: ClinVar variation 5040837 (VCV005040837.1).
Genomic context (GRCh38, chr19:35,511,468, plus strand): 5'-CACCCAGGAGGACTCACTGCCGCTGTCACCTCTGCTGCCACCACTGTTGCCACTGCTGCC[A>G]CCACTGCTGCCGCCACTGCTGCCGCCACTGCTGCTGCCACTGCTGCTGCCACCACTGCTG-3'
Protein context (NP_201574.4, residues 277-297): SSGGSSGGSS[Gly287=]GSSGNSGGSR